The following is an entry in ClinVar:

NM_004360.5(CDH1):c.199G>A (p.Ala67Thr)

Gene: CDH1 (cadherin 1; plus strand). Cytogenetic location: 16q22.1.
Variant type: single nucleotide variant.
Coding change: c.199G>A on transcript NM_004360.5 (MANE Select); coding-DNA position 199, G replaced by A.
Protein change: p.Ala67Thr; replaces alanine 67 with threonine.
Molecular consequence: missense variant. On other transcripts: 5 prime UTR variant (2).
Genome position (GRCh38, 1-based): chr16:68,801,705, G>A. VCF-style: chr16-68801705-G-A. GRCh37 (hg19) VCF-style: chr16-68835608-G-A.
Other names: c.199G>A (LRG_301t1); c.199G>A, p.Ala67Thr (NM_001317184.2); c.-1417G>A (NM_001317185.2); c.-1621G>A (NM_001317186.2); short protein forms A67T.
Identifiers: ClinVar variation 406667 (VCV000406667.28), dbSNP rs1060501247, ClinGen allele CA16615361.
Genomic context (GRCh38, chr16:68,801,705, plus strand): 5'-AATCTCTGTGATTTCTGCCCTGCAGTGAATTTTGAAGATTGCACCGGTCGACAAAGGACA[G>A]CCTATTTTTCCCTCGACACCCGATTCAAAGTGGGCACAGATGGTGTGATTACAGTCAAAA-3'
Protein context (NP_004351.1, residues 57-77): FEDCTGRQRT[Ala67Thr]YFSLDTRFKV

ClinVar aggregate classification (germline): Conflicting classifications of pathogenicity. Review status: criteria provided, conflicting classifications (1 of 4 stars). 9 submissions from 9 submitters: Uncertain significance (7); Benign (1). 1 of the submissions does not count toward it. Last evaluated 2026-01-25.

Conditions:
Hereditary cancer-predisposing syndrome. Also called: Tumor predisposition; Neoplastic Syndromes, Hereditary; Hereditary Cancer Syndrome; Hereditary neoplastic syndrome. Identifiers: Orphanet 140162, MedGen C0027672, MeSH D009386, MONDO:0015356.
Hereditary diffuse gastric adenocarcinoma (HDGC). Also called: DIFFUSE GASTRIC AND LOBULAR BREAST CANCER SYNDROME. Identifiers: Orphanet 26106, MedGen C1708349, MONDO:0007648, OMIM 137215.
Familial cancer of breast. Also called: BREAST CANCER, FAMILIAL; hereditary breast carcinoma; Hereditary breast cancer. Identifiers: Orphanet 227535, MedGen C0346153, MONDO:0016419, OMIM 114480. Disease mechanism: loss of function.

Allele frequency attached by ClinVar (database versions not stated): gnomAD exomes below 0.00001 and 0.00001.
gnomAD v4.1: 6 of 1,614,174 alleles (0.00037%); highest among the groups gnomAD compares: Admixed American, 0.005%; no homozygotes.

Submissions (9):

Labcorp Genetics (formerly Invitae), Labcorp
Classification: Uncertain significance for Hereditary diffuse gastric adenocarcinoma. Last evaluated: 2026-01-25. Review status: criteria provided, single submitter. Criteria: Invitae Variant Classification Sherloc (09022015). Collection method: clinical testing. Allele origin: germline.
Comment: This sequence change replaces alanine, which is neutral and non-polar, with threonine, which is neutral and polar, at codon 67 of the CDH1 protein (p.Ala67Thr). This variant is present in population databases (no rsID available, gnomAD 0.009%). This variant has not been reported in the literature in individuals affected with CDH1-related conditions. ClinVar contains an entry for this variant (Variation ID: 406667). An algorithm developed to predict the effect of missense changes on protein structure and function (PolyPhen-2) suggests that this variant is likely to be tolerated. In summary, the available evidence is currently insufficient to determine the role of this variant in disease. Therefore, it has been classified as a Variant of Uncertain Significance.

Women's Health and Genetics/Laboratory Corporation of America, LabCorp
Classification: Uncertain significance. Last evaluated: 2025-12-20. Review status: criteria provided, single submitter. Criteria: LabCorp Variant Classification Summary - May 2015. Collection method: clinical testing. Allele origin: germline.

Color Diagnostics, LLC DBA Color Health
Classification: Uncertain significance for Hereditary cancer-predisposing syndrome. Last evaluated: 2024-02-26. Review status: criteria provided, single submitter. Criteria: ACMG Guidelines, 2015. Collection method: clinical testing. Allele origin: germline.
Comment: This missense variant replaces alanine with threonine at codon 67 of the CDH1 protein. To our knowledge, functional studies have not been reported for this variant. This variant has not been reported in individuals affected with CDH1-related disorders in the literature. This variant has been identified in 3/251456 chromosomes in the general population by the Genome Aggregation Database (gnomAD). The available evidence is insufficient to determine the role of this variant in disease conclusively. Therefore, this variant is classified as a Variant of Uncertain Significance.

Ambry Genetics
Classification: Benign for Hereditary cancer-predisposing syndrome. Last evaluated: 2023-12-14. Review status: criteria provided, single submitter. Criteria: Ambry Variant Classification Scheme 2023. Collection method: clinical testing. Allele origin: germline.

GeneDx
Classification: Uncertain significance. Last evaluated: 2023-09-14. Review status: criteria provided, single submitter. Criteria: GeneDx Variant Classification Process June 2021. Collection method: clinical testing. Allele origin: germline. Affected: yes.
Comment: Not observed at significant frequency in large population cohorts (gnomAD); In silico analysis supports that this missense variant does not alter protein structure/function; Has not been previously published as pathogenic or benign to our knowledge; This variant is associated with the following publications: (PMID: 15235021)

Baylor Genetics
Classification: Uncertain significance for Familial cancer of breast. Last evaluated: 2023-06-22. Review status: criteria provided, single submitter. Criteria: ACMG Guidelines, 2015. Collection method: clinical testing. Allele origin: unknown.

Myriad Genetics, Inc.
Classification: Uncertain significance for Hereditary diffuse gastric adenocarcinoma. Last evaluated: 2023-03-03. Review status: criteria provided, single submitter. Criteria: Myriad Autosomal Dominant, Autosomal Recessive and X-Linked Classification Criteria (2023). Collection method: clinical testing. Allele origin: unknown.
Comment: This variant is classified as a variant of uncertain significance as there is insufficient evidence to determine its impact on protein function and/or cancer risk.

PreventionGenetics, part of Exact Sciences
Classification: Uncertain significance. Last evaluated: 2017-02-24. Review status: criteria provided, single submitter. Criteria: ACMG Guidelines, 2015. Collection method: clinical testing. Allele origin: germline.

Counsyl
Classification: Uncertain significance for Hereditary diffuse gastric adenocarcinoma. Last evaluated: 2018-02-21. Review status: no assertion criteria provided. Collection method: clinical testing. Allele origin: unknown. Not counted in ClinVar's aggregate classification.